The following is an entry in ClinVar:

ClinVar aggregate classification (germline): Uncertain significance. Review status: criteria provided, multiple submitters, no conflicts (2 of 4 stars). 2 submissions from 2 submitters: Uncertain significance (2). Last evaluated 2022-10-04.

Conditions:
Inborn genetic diseases. Identifiers: MedGen C0950123, MeSH D030342.

Allele frequency attached by ClinVar (database versions not stated): ExAC 0.00001; gnomAD 0.00001; TOPMed 0.00001; gnomAD exomes 0.00002.
gnomAD v4.1: 12 of 1,613,758 alleles (0.00074%); highest among the groups gnomAD compares: East Asian, 0.018%; no homozygotes.

Submissions (2):

Ambry Genetics
Classification: Uncertain significance for Inborn genetic diseases. Last evaluated: 2022-10-04. Review status: criteria provided, single submitter. Criteria: Ambry Variant Classification Scheme 2023. Collection method: clinical testing. Allele origin: germline.

GeneDx
Classification: Uncertain significance. Last evaluated: 2021-11-24. Review status: criteria provided, single submitter. Criteria: GeneDx Variant Classification Process June 2021. Collection method: clinical testing. Allele origin: germline. Affected: yes.
Comment: In silico analysis supports that this missense variant does not alter protein structure/function; Has not been previously published as pathogenic or benign to our knowledge

NM_003672.4(CDC14A):c.1268G>A (p.Gly423Glu)

Gene: CDC14A (cell division cycle 14A; plus strand). Cytogenetic location: 1p21.2.
Variant type: single nucleotide variant.
Coding change: c.1268G>A on transcript NM_003672.4 (MANE Select); coding-DNA position 1268, G replaced by A.
Protein change: p.Gly423Glu; replaces glycine 423 with glutamic acid.
Molecular consequence: missense variant.
Genome position (GRCh38, 1-based): chr1:100,496,019, G>A. VCF-style: chr1-100496019-G-A. GRCh37 (hg19) VCF-style: chr1-100961575-G-A.
Other names: c.1268G>A, p.Gly423Glu (NM_001319210.2, NM_033312.3); c.1094G>A, p.Gly365Glu (NM_001319211.2); c.389G>A, p.Gly130Glu (NM_001319212.2); c.1268G>A (NM_033312.2); short protein forms G130E, G365E, G423E.
Identifiers: ClinVar variation 1327802 (VCV001327802.4), dbSNP rs776723170, ClinGen allele CA970834.
Genomic context (GRCh38, chr1:100,496,019, plus strand): 5'-TGTGCCCTGGTGATATGTGAGCATCTGTCTTTGATTTCCGCAGGTCAGATGATACAAAAG[G>A]ACATCCAAGAGCAGTGTCCCAGCCTTTCAGGTACTGCCAATGAGGTTGAATGTCTAGTAG-3'
Protein context (NP_003663.2, residues 413-433): SCAFRSDDTK[Gly423Glu]HPRAVSQPFR